The following is an entry in ClinVar:

ClinVar aggregate classification (germline): Benign/Likely benign. Review status: criteria provided, multiple submitters, no conflicts (2 of 4 stars). 5 submissions from 5 submitters: Benign (3); Likely benign (2). Last evaluated 2026-02-02.

Conditions:
Retinal dystrophy. Also called: Inherited retinal dystrophy. Identifiers: Orphanet 71862, MedGen C0854723, MeSH D058499, MONDO:0019118, HP:0000556.
Retinitis pigmentosa (RP). Identifiers: Orphanet 791, MedGen C0035334, MeSH D012174, MONDO:0019200, OMIM 268000. Inheritance: Autosomal dominant, autosomal recessive and X linked inheritance.

Allele frequency attached by ClinVar (database versions not stated): 1000 Genomes Project 0.00998; ESP Exome Variant Server 0.01117; TOPMed 0.01368; gnomAD 0.01379 and 0.01393; gnomAD exomes 0.01508 and 0.01902; ExAC 0.02196; 1000 Genomes Project 30x 0.00968.
gnomAD v4.1: 28,926 of 1,562,990 alleles (1.9%); highest among the groups gnomAD compares: Middle Eastern, 3.2%; 308 homozygotes.

Submissions (5):

Labcorp Genetics (formerly Invitae), Labcorp
Classification: Benign. Last evaluated: 2026-02-02. Review status: criteria provided, single submitter. Criteria: Invitae Variant Classification Sherloc (09022015). Collection method: clinical testing. Allele origin: germline.

Dept Of Ophthalmology, Nagoya University
Classification: Benign for Retinal dystrophy. Last evaluated: 2023-10-01. Review status: criteria provided, single submitter. Criteria: Submitter's publication. Collection method: research. Allele origin: germline. Affected: yes.

Illumina Laboratory Services, Illumina
Classification: Likely benign for Retinitis pigmentosa. Last evaluated: 2018-01-13. Review status: criteria provided, single submitter. Criteria: ICSL Variant Classification Criteria 13 December 2019. Collection method: clinical testing. Allele origin: germline.
Comment: This variant was observed in the ICSL laboratory as part of a predisposition screen in an ostensibly healthy population. It had not been previously curated by ICSL or reported in the Human Gene Mutation Database (HGMD: prior to June 1st, 2018), and was therefore a candidate for classification through an automated scoring system. Utilizing variant allele frequency, disease prevalence and penetrance estimates, and inheritance mode, an automated score was calculated to assess if this variant is too frequent to cause the disease. Based on the score and internal cut-off values, a variant classified as likely benign is not then subjected to further curation. The score for this variant resulted in a classification of likely benign for this disease.

Eurofins Ntd Llc (ga)
Classification: Benign. Last evaluated: 2013-08-09. Review status: criteria provided, single submitter. Criteria: EGL Classification Definitions 2015. Collection method: clinical testing. Allele origin: germline. Observed: 4 variant alleles, 4 heterozygotes.

Breakthrough Genomics
Classification: Likely benign. Review status: criteria provided, single submitter. Criteria: ACMG Guidelines, 2015. Collection method: not provided. Allele origin: germline. Inheritance: Autosomal recessive inheritance. Affected: yes.

NM_001297.5(CNGB1):c.606A>G (p.Glu202=)

Gene: CNGB1 (cyclic nucleotide gated channel subunit beta 1; minus strand). Cytogenetic location: 16q21.
Variant type: single nucleotide variant.
Coding change: c.606A>G on transcript NM_001297.5 (MANE Select); coding-DNA position 606, A replaced by G.
Protein change: p.Glu202=; no amino-acid change (glutamic acid 202 retained).
Molecular consequence: synonymous variant.
Genome position (GRCh38, 1-based): chr16:57,960,043, T>C on the plus strand (A>G on the coding strand, the complement: CNGB1 is on the minus strand). VCF-style: chr16-57960043-T-C. GRCh37 (hg19) VCF-style: chr16-57993947-T-C.
Other names: c.606A>G, p.Glu202= (NM_001135639.2); c.588A>G, p.Glu196= (NM_001286130.2).
Identifiers: ClinVar variation 93703 (VCV000093703.19), dbSNP rs76788887, ClinGen allele CA147226.